The following is an entry in ClinVar:

NM_199420.4(POLQ):c.3098A>G (p.Glu1033Gly)

Gene: POLQ (DNA polymerase theta; minus strand). Cytogenetic location: 3q13.33.
Variant type: single nucleotide variant.
Coding change: c.3098A>G on transcript NM_199420.4 (MANE Select); coding-DNA position 3098, A replaced by G.
Protein change: p.Glu1033Gly; replaces glutamic acid 1033 with glycine.
Molecular consequence: missense variant.
Genome position (GRCh38, 1-based): chr3:121,489,833, T>C on the plus strand (A>G on the coding strand, the complement: POLQ is on the minus strand). VCF-style: chr3-121489833-T-C. GRCh37 (hg19) VCF-style: chr3-121208680-T-C.
Other names: short protein forms E1033G.
Identifiers: ClinVar variation 1727528 (VCV001727528.3), dbSNP rs1019310465, ClinGen allele CA81836601.

ClinVar aggregate classification (germline): Uncertain significance (1 of 4 stars; one submission).

Allele frequency attached by ClinVar (database versions not stated): gnomAD exomes below 0.00001; gnomAD 0.00001; TOPMed 0.00002.
gnomAD v4.1: 3 of 1,611,710 alleles (0.00019%); highest among the groups gnomAD compares: African/African-American, 0.0027%; no homozygotes.

Submission:

Ambry Genetics
Classification: Uncertain significance. Last evaluated: 2024-08-19. Review status: criteria provided, single submitter. Criteria: Ambry Variant Classification Scheme 2023. Collection method: clinical testing. Allele origin: germline.
Comment: The p.E1033G variant (also known as c.3098A>G), located in coding exon 16 of the POLQ gene, results from an A to G substitution at nucleotide position 3098. The glutamic acid at codon 1033 is replaced by glycine, an amino acid with similar properties. This amino acid position is conserved. In addition, this alteration is predicted to be tolerated by in silico analysis. Since supporting evidence is limited at this time, the clinical significance of this alteration remains unclear.